The following is an entry in ClinVar:

NM_001040108.2(MLH3):c.4243-1G>T

Gene: MLH3 (mutL homolog 3; minus strand). Cytogenetic location: 14q24.3.
Variant type: single nucleotide variant.
Coding change: c.4243-1G>T on transcript NM_001040108.2 (MANE Select); the canonical splice acceptor site of the intron before coding-DNA position 4243, G replaced by T.
Molecular consequence: splice acceptor variant.
Genome position (GRCh38, 1-based): chr14:75,017,202, C>A on the plus strand (G>T on the coding strand, the complement: MLH3 is on the minus strand). VCF-style: chr14-75017202-C-A. GRCh37 (hg19) VCF-style: chr14-75483905-C-A.
Other names: c.4171-1G>T (NM_014381.3).
Identifiers: ClinVar variation 4055438 (VCV004055438.1).
Genomic context (GRCh38, chr14:75,017,202, plus strand): 5'-TTTTCCAAAGAGACGCCAGGCCTGGGCCATTTTGCGAAGTTTAGTGAGGTTGGGTTTAAT[C>A]TATGGGAAGAAAGAATAACTTCAATTAGCAATATGAAAAGGTAGGTAGCATACAGGCTGG-3'

ClinVar aggregate classification (germline): Uncertain significance (1 of 4 stars; one submission).

Submission:

Ambry Genetics
Classification: Uncertain significance. Last evaluated: 2025-06-13. Review status: criteria provided, single submitter. Criteria: Ambry Variant Classification Scheme 2023. Collection method: clinical testing. Allele origin: germline.
Comment: The c.4243-1G>T intronic variant results from a G to T substitution one nucleotide upstream from coding exon 12 of the MLH3 gene. This nucleotide position is highly conserved in available vertebrate species. In silico splice site analysis predicts that this alteration will weaken the native splice acceptor site. Alterations that disrupt the canonical splice site are expected to cause aberrant splicing, resulting in an abnormal protein or a transcript that is subject to nonsense-mediated mRNA decay. The evidence for this gene-disease relationship is limited; therefore, the clinical significance of this alteration is unclear.